The following is an entry in ClinVar:

NM_006767.4(LZTR1):c.1354-19T>C

Gene: LZTR1 (leucine zipper like post translational regulator 1; plus strand). Cytogenetic location: 22q11.21.
Variant type: single nucleotide variant.
Coding change: c.1354-19T>C on transcript NM_006767.4 (MANE Select); 19 bases into the intron before coding-DNA position 1354, T replaced by C.
Molecular consequence: intron variant.
Genome position (GRCh38, 1-based): chr22:20,993,905, T>C. VCF-style: chr22-20993905-T-C. GRCh37 (hg19) VCF-style: chr22-21348194-T-C.
Identifiers: ClinVar variation 510547 (VCV000510547.8), dbSNP rs376603441, ClinGen allele CA10118850.

ClinVar aggregate classification (germline): Likely benign. Review status: criteria provided, multiple submitters, no conflicts (2 of 4 stars). 2 submissions from 2 submitters: Likely benign (2). Last evaluated 2025-12-03.

Allele frequency attached by ClinVar (database versions not stated): gnomAD 0.00003; ESP Exome Variant Server 0.00015; TOPMed 0.00017.
gnomAD v4.1: 25 of 1,607,296 alleles (0.0016%); highest among the groups gnomAD compares: African/African-American, 0.024%; no homozygotes.

Submissions (2):

Labcorp Genetics (formerly Invitae), Labcorp
Classification: Likely benign. Last evaluated: 2025-12-03. Review status: criteria provided, single submitter. Criteria: Invitae Variant Classification Sherloc (09022015). Collection method: clinical testing. Allele origin: germline.

GeneDx
Classification: Likely benign. Last evaluated: 2017-06-26. Review status: criteria provided, single submitter. Criteria: GeneDx Variant Classification (06012015). Collection method: clinical testing. Allele origin: germline. Affected: yes.
Comment: This variant is considered likely benign or benign based on one or more of the following criteria: it is a conservative change, it occurs at a poorly conserved position in the protein, it is predicted to be benign by multiple in silico algorithms, and/or has population frequency not consistent with disease.